The following is an entry in ClinVar:

NM_001122630.2(CDKN1C):c.59G>A (p.Arg20His)

Gene: CDKN1C (cyclin dependent kinase inhibitor 1C; minus strand). Cytogenetic location: 11p15.4.
Variant type: single nucleotide variant.
Coding change: c.59G>A on transcript NM_001122630.2 (MANE Select); coding-DNA position 59, G replaced by A.
Protein change: p.Arg20His; replaces arginine 20 with histidine.
Molecular consequence: missense variant.
Genome position (GRCh38, 1-based): chr11:2,885,398, C>T on the plus strand (G>A on the coding strand, the complement: CDKN1C is on the minus strand). VCF-style: chr11-2885398-C-T. GRCh37 (hg19) VCF-style: chr11-2906628-C-T.
Other names: c.92G>A, p.Arg31His (NM_000076.2, NM_001362474.2); c.59G>A, p.Arg20His (NM_001122631.2, NM_001362475.2); short protein forms R31H, R20H.
Identifiers: ClinVar variation 1425275 (VCV001425275.6), dbSNP rs2133786421, ClinGen allele CA379147799.

ClinVar aggregate classification (germline): Uncertain significance (1 of 4 stars; one submission).

Conditions:
Beckwith-Wiedemann syndrome (BWS). Also called: Exomphalos macroglossia gigantism syndrome; EMG SYNDROME. Identifiers: Orphanet 116, MedGen C0004903, MONDO:0007534, OMIM 130650.

Submission:

Labcorp Genetics (formerly Invitae), Labcorp
Classification: Uncertain significance for Beckwith-Wiedemann syndrome. Last evaluated: 2021-11-09. Review status: criteria provided, single submitter. Criteria: Invitae Variant Classification Sherloc (09022015). Collection method: clinical testing. Allele origin: germline.
Comment: This sequence change replaces arginine, which is basic and polar, with histidine, which is basic and polar, at codon 31 of the CDKN1C protein (p.Arg31His). This variant is not present in population databases (gnomAD no frequency). This variant has not been reported in the literature in individuals affected with CDKN1C-related conditions. Algorithms developed to predict the effect of missense changes on protein structure and function (SIFT, PolyPhen-2, Align-GVGD) all suggest that this variant is likely to be disruptive. In summary, the available evidence is currently insufficient to determine the role of this variant in disease. Therefore, it has been classified as a Variant of Uncertain Significance.